The following is an entry in ClinVar:

NC_000001.10:g.(?_160786670)_(161332233_?)dup

Genes: ITLN2 (intelectin 2; minus strand), KLHDC9 (kelch domain containing 9; plus strand), PCP4L1 (Purkinje cell protein 4 like 1; plus strand), PFDN2 (prefoldin subunit 2; minus strand), PPOX (protoporphyrinogen oxidase; plus strand) and 60 more. Cytogenetic location: 1q23.3.
Variant type: Duplication.
Identifiers: ClinVar variation 639872 (VCV000639872.2).

ClinVar aggregate classification (germline): Uncertain significance (1 of 4 stars; one submission).

Conditions:
Gastrointestinal stromal tumor. Also called: Gastrointestinal stromal tumor, somatic; Gastrointestinal stroma tumor. Identifiers: Orphanet 44890, MedGen C0238198, MeSH D046152, MONDO:0011719, OMIM 606764, HP:0100723.
Pheochromocytoma/paraganglioma syndrome 3. Also called: SDHC-Related Hereditary Paraganglioma-Pheochromocytoma Syndrome (Paragangliomas 3); SDHC-Related Hereditary Paraganglioma-Pheochromocytoma Syndrome; Paragangliomas 3; GLOMUS TUMORS, FAMILIAL, 3. Identifiers: Orphanet 29072, MedGen C1854336, MONDO:0011544, OMIM 605373.

Submission:

Labcorp Genetics (formerly Invitae), Labcorp
Classification: Uncertain significance for Paragangliomas 3; Gastrointestinal stroma tumor. Last evaluated: 2019-04-27. Review status: criteria provided, single submitter. Criteria: Invitae Variant Classification Sherloc (09022015). Collection method: clinical testing. Allele origin: germline.
Comment: This variant results in a copy number gain of the genomic region encompassing the full coding sequence of the SDHC gene. The boundaries of this event are unknown as they extend beyond the assayed region for this gene and therefore may encompass additional genes. As the precise location of this event is unknown, it may be in tandem or it may be located elsewhere in the genome. This variant has not been reported in the literature in individuals with SDHC-related conditions. In summary, the available evidence is currently insufficient to determine the role of this variant in disease. Therefore, it has been classified as a Variant of Uncertain Significance.